The following is an entry in ClinVar:

NM_005263.5(GFI1):c.64G>A (p.Gly22Arg)

Gene: GFI1 (growth factor independent 1 transcriptional repressor; minus strand). Cytogenetic location: 1p22.1.
Variant type: single nucleotide variant.
Coding change: c.64G>A on transcript NM_005263.5 (MANE Select); coding-DNA position 64, G replaced by A.
Protein change: p.Gly22Arg; replaces glycine 22 with arginine.
Molecular consequence: missense variant.
Genome position (GRCh38, 1-based): chr1:92,483,424, C>T on the plus strand (G>A on the coding strand, the complement: GFI1 is on the minus strand). VCF-style: chr1-92483424-C-T. GRCh37 (hg19) VCF-style: chr1-92948981-C-T.
Other names: c.64G>A, p.Gly22Arg (NM_001127215.3, NM_001127216.3); short protein forms G22R.
Identifiers: ClinVar variation 5022370 (VCV005022370.1).
Genomic context (GRCh38, chr1:92,483,424, plus strand): 5'-GCCTCGCACCTGCTCGGCTAGGCGCCGGTACATTCTCTAAACGGAGGGAATAGTCTGGTC[C>T]TGGGGAGCGCGGCTGGTGGTAGCTGTGAGCCTTCTTGCTTTTGACGAGAAATGAGCGCGG-3'
Protein context (NP_005254.2, residues 12-32): AHSYHQPRSP[Gly22Arg]PDYSLRLENV

ClinVar aggregate classification (germline): Uncertain significance (1 of 4 stars; one submission).

Submission:

Ambry Genetics
Classification: Uncertain significance. Last evaluated: 2026-07-04. Review status: criteria provided, single submitter. Criteria: Ambry Variant Classification Scheme 2023. Collection method: clinical testing. Allele origin: germline.
Comment: The p.G22R variant (also known as c.64G>A), located in coding exon 1 of the GFI1 gene, results from a G to A substitution at nucleotide position 64. The glycine at codon 22 is replaced by arginine, an amino acid with dissimilar properties. This amino acid position is conserved. In addition, this alteration is predicted to be tolerated by in silico analysis. Based on the available evidence, the clinical significance of this variant remains unclear.